The following is an entry in ClinVar:

NM_018714.3(COG1):c.1813A>G (p.Ser605Gly)

Gene: COG1 (component of oligomeric golgi complex 1; plus strand). Cytogenetic location: 17q25.1.
Variant type: single nucleotide variant.
Coding change: c.1813A>G on transcript NM_018714.3 (MANE Select); coding-DNA position 1813, A replaced by G.
Protein change: p.Ser605Gly; replaces serine 605 with glycine.
Molecular consequence: missense variant.
Genome position (GRCh38, 1-based): chr17:73,201,640, A>G. VCF-style: chr17-73201640-A-G. GRCh37 (hg19) VCF-style: chr17-71197779-A-G.
Other names: short protein forms S605G.
Identifiers: ClinVar variation 2420748 (VCV002420748.6), dbSNP rs149562109, ClinGen allele CA8740298.

ClinVar aggregate classification (germline): Uncertain significance (1 of 4 stars; one submission).

Conditions:
COG1 congenital disorder of glycosylation (CDG2G). Also called: CONGENITAL DISORDER OF GLYCOSYLATION, TYPE IIg; CDG IIg; CDGII/COG1 CEREBROCOSTOMANDIBULAR-LIKE SYNDROME. Identifiers: Orphanet 263508, MedGen C2931011, MONDO:0012637, OMIM 611209.

Allele frequency attached by ClinVar (database versions not stated): gnomAD exomes 0.00001; ExAC 0.00003; gnomAD 0.00006; TOPMed 0.00007; ESP Exome Variant Server 0.00008.

Submission:

Labcorp Genetics (formerly Invitae), Labcorp
Classification: Uncertain significance for COG1 congenital disorder of glycosylation. Last evaluated: 2022-01-31. Review status: criteria provided, single submitter. Criteria: Invitae Variant Classification Sherloc (09022015). Collection method: clinical testing. Allele origin: germline.
Comment: This variant is present in population databases (rs149562109, gnomAD 0.02%). In summary, the available evidence is currently insufficient to determine the role of this variant in disease. Therefore, it has been classified as a Variant of Uncertain Significance. Algorithms developed to predict the effect of missense changes on protein structure and function output the following: SIFT: "Tolerated"; PolyPhen-2: "Benign"; Align-GVGD: "Class C0". The glycine amino acid residue is found in multiple mammalian species, which suggests that this missense change does not adversely affect protein function. This variant has not been reported in the literature in individuals affected with COG1-related conditions. This sequence change replaces serine, which is neutral and polar, with glycine, which is neutral and non-polar, at codon 605 of the COG1 protein (p.Ser605Gly).